The following is an entry in ClinVar:

NM_000195.5(HPS1):c.1294A>T (p.Met432Leu)

Gene: HPS1 (HPS1 biogenesis of lysosomal organelles complex 3 subunit 1; minus strand). Cytogenetic location: 10q24.2.
Variant type: single nucleotide variant.
Coding change: c.1294A>T on transcript NM_000195.5 (MANE Select); coding-DNA position 1294, A replaced by T.
Protein change: p.Met432Leu; replaces methionine 432 with leucine.
Molecular consequence: missense variant.
Genome position (GRCh38, 1-based): chr10:98,425,582, T>A on the plus strand (A>T on the coding strand, the complement: HPS1 is on the minus strand). VCF-style: chr10-98425582-T-A. GRCh37 (hg19) VCF-style: chr10-100185339-T-A.
Other names: c.322A>T, p.Met108Leu (NM_001322489.2, NM_001311345.2, NM_001322487.2); c.1294A>T, p.Met432Leu (NM_001322476.2, NM_001322477.2); c.1195A>T, p.Met399Leu (NM_001322478.2, NM_001322479.2); c.1033A>T, p.Met345Leu (NM_001322480.2, NM_001322481.2); c.934A>T, p.Met312Leu (NM_001322482.2); c.925A>T, p.Met309Leu (NM_001322483.2, NM_001322484.2); c.826A>T, p.Met276Leu (NM_001322485.2); short protein forms M108L, M276L, M309L, M312L, M345L, M399L, M432L.
Identifiers: ClinVar variation 1311057 (VCV001311057.3), dbSNP rs756067445, ClinGen allele CA5639090.

ClinVar aggregate classification (germline): Uncertain significance. Review status: criteria provided, multiple submitters, no conflicts (2 of 4 stars). 2 submissions from 2 submitters: Uncertain significance (2). Last evaluated 2022-02-08.

Conditions:
Hermansky-Pudlak syndrome 1 (HPS1). Also called: DELTA STORAGE POOL DISEASE. Identifiers: Orphanet 231500, Orphanet 79430, MedGen C2931875, MONDO:0008748, OMIM 203300.

Allele frequency attached by ClinVar (database versions not stated): gnomAD exomes below 0.00001; ExAC 0.00001; gnomAD 0.00001; TOPMed 0.00003.

Submissions (2):

Fulgent Genetics
Classification: Uncertain significance for Hermansky-Pudlak syndrome 1. Last evaluated: 2022-02-08. Review status: criteria provided, single submitter. Criteria: ACMG Guidelines, 2015. Collection method: clinical testing. Allele origin: unknown.

GeneDx
Classification: Uncertain significance. Last evaluated: 2019-12-24. Review status: criteria provided, single submitter. Criteria: GeneDx Variant Classification Process June 2021. Collection method: clinical testing. Allele origin: germline. Affected: yes.
Comment: Not observed at a significant frequency in large population cohorts (Lek et al., 2016); In silico analysis, which includes protein predictors and evolutionary conservation, supports that this variant does not alter protein structure/function; Has not been previously published as pathogenic or benign to our knowledge